The following is an entry in ClinVar:

ClinVar aggregate classification (germline): Uncertain significance (1 of 4 stars; one submission).

Conditions:
Leigh syndrome (NULS). Also called: Leigh's necrotizing encephalopathy; Leigh's disease; Leigh Syndrome (mtDNA deletion); Leigh Disease; Subacute necrotizing encephalopathy; Necrotizing encephalopathy infantile subacute of Leigh. Identifiers: Orphanet 506, MedGen C2931891, MONDO:0009723, OMIM 256000.

Submission:

Wong Mito Lab, Molecular and Human Genetics, Baylor College of Medicine
Classification: Uncertain significance for Leigh syndrome. Last evaluated: 2019-10-17. Review status: criteria provided, single submitter. Criteria: Modified ACMG Guidelines (Unpublished). Collection method: clinical testing. Allele origin: germline.
Comment: The NC_012920.1:m.9636A>G (YP_003024032.1:p.Ile144Val) variant in MTCO3 gene is interpretated to be a Uncertain Significance variant based on the modified ACMG guidelines (unpublished). This variant meets the following evidence codes: BS4

NC_012920.1(MT-CO3):m.9636A>G

Gene: MT-CO3 (mitochondrially encoded cytochrome c oxidase III; plus strand).
Variant type: single nucleotide variant.
Genome position: chrM-9636-A-G.
Identifiers: ClinVar variation 693196 (VCV000693196.1), dbSNP rs1603222411, ClinGen allele CA414803366.
Genomic context (GRCh38, chrMT:9,636, plus strand): 5'-CTAAATCCCCTAGAAGTCCCACTCCTAAACACATCCGTATTACTCGCATCAGGAGTATCA[A>G]TCACCTGAGCTCACCATAGTCTAATAGAAAACAACCGAAACCAAATAATTCAAGCACTGC-3'